The following is an entry in ClinVar:

ClinVar aggregate classification (germline): Likely benign (0 of 4 stars; one submission).

Conditions:
PKD1L1-related disorder. Also called: PKD1L1-related condition.

Allele frequency attached by ClinVar (database versions not stated): gnomAD 0.00001; gnomAD exomes 0.00002; ExAC 0.00004; TOPMed 0.00004.
gnomAD v4.1: 36 of 1,613,964 alleles (0.0022%); highest among the groups gnomAD compares: Admixed American, 0.0083%; no homozygotes.

Submission:

PreventionGenetics, part of Exact Sciences
Classification: Likely benign for PKD1L1-related condition. Last evaluated: 2021-12-14. Review status: no assertion criteria provided. Collection method: clinical testing. Allele origin: germline.
Comment: This variant is classified as likely benign based on ACMG/AMP sequence variant interpretation guidelines (Richards et al. 2015 PMID: 25741868, with internal and published modifications).

NM_138295.5(PKD1L1):c.6429C>T (p.Thr2143=)

Gene: PKD1L1 (polycystin 1 like 1, transient receptor potential channel interacting; minus strand). Cytogenetic location: 7p12.3.
Variant type: single nucleotide variant.
Coding change: c.6429C>T on transcript NM_138295.5 (MANE Select); coding-DNA position 6429, C replaced by T.
Protein change: p.Thr2143=; no amino-acid change (threonine 2143 retained).
Molecular consequence: synonymous variant.
Genome position (GRCh38, 1-based): chr7:47,831,261, G>A on the plus strand (C>T on the coding strand, the complement: PKD1L1 is on the minus strand). VCF-style: chr7-47831261-G-A. GRCh37 (hg19) VCF-style: chr7-47870859-G-A.
Identifiers: ClinVar variation 3046530 (VCV003046530.2), dbSNP rs761120485, ClinGen allele CA4252465.